The following is an entry in ClinVar:

ClinVar aggregate classification (germline): Uncertain significance (1 of 4 stars; one submission).

Allele frequency attached by ClinVar (database versions not stated): gnomAD 0.00001; TOPMed 0.00001.
gnomAD v4.1: 5 of 1,611,114 alleles (0.00031%); highest among the groups gnomAD compares: Non-Finnish European, 0.00042%; no homozygotes.

Submission:

GeneDx
Classification: Uncertain significance. Last evaluated: 2017-06-20. Review status: criteria provided, single submitter. Criteria: GeneDx Variant Classification (06012015). Collection method: clinical testing. Allele origin: germline. Affected: yes.
Comment: The A248S variant in the RARB gene has not been reported previously as a pathogenic variant, nor as a benign variant, to our knowledge. The A248S variant is observed in 3/66652 (0.0045%) alleles from individuals of non-Finnish European background, in the ExAC dataset (Lek et al., 2016). The A248S variant is a non-conservative amino acid substitution, which is likely to impact secondary protein structure as these residues differ in polarity, charge, size and/or other properties. This substitution occurs at a position that is conserved across species. In silico analysis is inconsistent in its predictions as to whether or not the variant is damaging to the protein structure/function. We interpret A248S as a variant of uncertain significance.

NM_000965.5(RARB):c.742G>T (p.Ala248Ser)

Gene: RARB (retinoic acid receptor beta; plus strand). Cytogenetic location: 3p24.2.
Variant type: single nucleotide variant.
Coding change: c.742G>T on transcript NM_000965.5 (MANE Select); coding-DNA position 742, G replaced by T.
Protein change: p.Ala248Ser; replaces alanine 248 with serine.
Molecular consequence: missense variant. On other transcripts: non-coding transcript variant (2).
Genome position (GRCh38, 1-based): chr3:25,580,678, G>T. VCF-style: chr3-25580678-G-T. GRCh37 (hg19) VCF-style: chr3-25622169-G-T.
Other names: c.763G>T, p.Ala255Ser (NM_001290216.3); c.406G>T, p.Ala136Ser (NM_001290217.2, NM_001290276.2, NM_016152.4); c.595G>T, p.Ala199Ser (NM_001290266.2); c.742G>T, p.Ala248Ser (NM_001290277.1); c.613G>T, p.Ala205Ser (NM_001290300.2); short protein forms A248S, A255S, A199S, A136S, A205S.
Identifiers: ClinVar variation 432822 (VCV000432822.2), dbSNP rs773216330, ClinGen allele CA2287783.
Genomic context (GRCh38, chr3:25,580,678, plus strand): 5'-TGCATTATTAAGATCGTGGAGTTTGCTAAACGTCTGCCTGGTTTCACTGGCTTGACCATC[G>T]CAGACCAAATTACCCTGCTGAAGGCCGCCTGCCTGGACATCCTGGTATGTGCCTTTTTGA-3'
Protein context (NP_000956.2, residues 238-258): RLPGFTGLTI[Ala248Ser]DQITLLKAAC